The following is an entry in ClinVar:

NM_001365276.2(TNXB):c.769G>T (p.Gly257Ter)

Gene: TNXB (tenascin XB; minus strand). Cytogenetic location: 6p21.33.
Variant type: single nucleotide variant.
Coding change: c.769G>T on transcript NM_001365276.2 (MANE Select); coding-DNA position 769, G replaced by T.
Protein change: p.Gly257Ter; replaces glycine 257 with a stop codon.
Molecular consequence: nonsense.
Genome position (GRCh38, 1-based): chr6:32,097,084, C>A on the plus strand (G>T on the coding strand, the complement: TNXB is on the minus strand). VCF-style: chr6-32097084-C-A. GRCh37 (hg19) VCF-style: chr6-32064861-C-A.
Other names: c.769G>T, p.Gly257Ter (NM_001428335.1, NM_019105.8); short protein forms G257*.
Identifiers: ClinVar variation 5014075 (VCV005014075.1).
Genomic context (GRCh38, chr6:32,097,084, plus strand): 5'-TGCCACAGTCGTCACCAGTGTAGCCTGGGTCACACACGCAGCGCCCACCCTCACAGCGTC[C>A]CCTCTGGCTGCAACCTCGAGGGCAGGAGCGCTGGCTGCAGTCGGGGCCTGAGAAGCCTGC-3'

ClinVar aggregate classification (germline): Pathogenic (1 of 4 stars; one submission).

Conditions:
Ehlers-Danlos syndrome due to tenascin-X deficiency (EDSCLL1). Also called: Ehlers-Danlos syndrome, classic-like, 1; EHLERS-DANLOS SYNDROME, CLASSIC-LIKE; TNXB-Related Classical-Like Ehlers-Danlos Syndrome; EDS DUE TO TNX DEFICIENCY; TNX DEFICIENCY. Identifiers: Orphanet 230839, MedGen C1848029, MONDO:0011670, OMIM 606408.

Submission:

Myriad Genetics, Inc.
Classification: Pathogenic for Ehlers-Danlos syndrome due to tenascin-X deficiency. Last evaluated: 2025-02-09. Review status: criteria provided, single submitter. Criteria: Myriad Autosomal Dominant, Autosomal Recessive and X-Linked Classification Criteria (2023). Collection method: clinical testing. Allele origin: unknown.
Comment: NM_019105.6(TNXB):c.769G>T(G257*) is expected to be pathogenic in the context of classical-like Ehlers-Danlos syndrome, TNXB-related. This variant is predicted to lead to an abnormal or absent protein product due to the creation of a premature termination codon in TNXB, a gene where loss-of-function variants are known to be pathogenic. Please note: this variant was assessed in the context of healthy population screening.